The following is an entry in ClinVar:

ClinVar aggregate classification (germline): Benign. Review status: reviewed by expert panel (3 of 4 stars). 2 submissions from 2 submitters: Benign (1). 1 of the submissions does not count toward it. Last evaluated 2015-01-12.

Conditions:
Breast-ovarian cancer, familial, susceptibility to, 2 (BROVCA2). Also called: BRCA2 Hereditary Breast and Ovarian Cancer. Identifiers: Orphanet 145, MedGen C2675520, MONDO:0012933, OMIM 612555. Disease mechanism: loss of function.

Allele frequency attached by ClinVar (database versions not stated): gnomAD 0.00388 and 0.00407; TOPMed 0.00416; 1000 Genomes Project 0.00659; 1000 Genomes Project 30x 0.00718.
gnomAD v4.1: 584 of 152,226 alleles (0.38%); highest among the groups gnomAD compares: African/African-American, 1.3%; 5 homozygotes.

Submissions (2):

Evidence-based Network for the Interpretation of Germline Mutant Alleles (ENIGMA)
Classification: Benign for Breast-ovarian cancer, familial 2. Last evaluated: 2015-01-12. Review status: reviewed by expert panel. Criteria: ENIGMA BRCA1/2 Classification Criteria (2015). Collection method: curation. Allele origin: germline.
Comment: Class 1 not pathogenic based on frequency >1% in an outbred sampleset. Frequency 0.02642 (African), derived from 1000 genomes (2012-04-30).

GeneDx
Classification: Likely benign. Last evaluated: 2018-06-25. Review status: criteria provided, single submitter. Criteria: GeneDx Variant Classification Process June 2021. Collection method: clinical testing. Allele origin: germline. Affected: yes. Not counted in ClinVar's aggregate classification.

NM_000059.4(BRCA2):c.6842-214T>A

Gene: BRCA2 (BRCA2 DNA repair associated; plus strand). Cytogenetic location: 13q13.1.
Variant type: single nucleotide variant.
Coding change: c.6842-214T>A on transcript NM_000059.4 (MANE Select); 214 bases into the intron before coding-DNA position 6842, T replaced by A.
Molecular consequence: intron variant.
Genome position (GRCh38, 1-based): chr13:32,344,344, T>A. VCF-style: chr13-32344344-T-A. GRCh37 (hg19) VCF-style: chr13-32918481-T-A.
Other names: IVS 11-214T>A.
Identifiers: ClinVar variation 209703 (VCV000209703.3), dbSNP rs11571672, ClinGen allele CA276671.
Genomic context (GRCh38, chr13:32,344,344, plus strand): 5'-TATCTGGTAGCATCTGTTTATCCTATTTAGGATTTATCCTGTTTAGACCCTGTTAAATAG[T>A]GGTGTTTTAAAGTGGTCAAAACAGAACAAAAATGTAATTGACATTGAAGACTGACTTTAC-3'